The following is an entry in ClinVar:

ClinVar aggregate classification (germline): Uncertain significance (1 of 4 stars; one submission).

Conditions:
Catecholaminergic polymorphic ventricular tachycardia 1. Also called: VENTRICULAR TACHYCARDIA, CATECHOLAMINERGIC POLYMORPHIC, 1, WITH OR WITHOUT ATRIAL DYSFUNCTION AND/OR DILATED CARDIOMYOPATHY; RYR2-Related Catecholaminergic Polymorphic Ventricular Tachycardia; VENTRICULAR TACHYCARDIA, STRESS-INDUCED POLYMORPHIC 1. Identifiers: Orphanet 3286, MedGen C1631597, MONDO:0011484, OMIM 604772.

Submission:

Labcorp Genetics (formerly Invitae), Labcorp
Classification: Uncertain significance for Catecholaminergic polymorphic ventricular tachycardia 1. Last evaluated: 2021-01-16. Review status: criteria provided, single submitter. Criteria: Invitae Variant Classification Sherloc (09022015). Collection method: clinical testing. Allele origin: germline.
Comment: In summary, the available evidence is currently insufficient to determine the role of this variant in disease. Therefore, it has been classified as a Variant of Uncertain Significance. This variant has not been reported in the literature in individuals with RYR2-related conditions. This variant is a gross deletion of the genomic region encompassing exons 2-105 of the RYR2 gene. The 5' boundary is likely confined to intron 1. The 3' end of this event is unknown as it extends through the termination codon beyond the assayed region for this gene and may encompass additional genes. While this deletion is not anticipated to result in nonsense mediated decay, it is expected to create a truncated protein product or disrupt mRNA translation.

NC_000001.11:g.(?_237270487)_(237832657_?)del

Gene: RYR2 (ryanodine receptor 2; plus strand). Cytogenetic location: 1q43.
Variant type: Deletion.
Identifiers: ClinVar variation 830680 (VCV000830680.45).